The following is an entry in ClinVar:

NM_014254.3(RXYLT1):c.76C>T (p.His26Tyr)

Gene: RXYLT1 (ribitol xylosyltransferase 1; plus strand). Cytogenetic location: 12q14.2.
Variant type: single nucleotide variant.
Coding change: c.76C>T on transcript NM_014254.3 (MANE Select); coding-DNA position 76, C replaced by T.
Protein change: p.His26Tyr; replaces histidine 26 with tyrosine.
Molecular consequence: missense variant.
Genome position (GRCh38, 1-based): chr12:63,780,036, C>T. VCF-style: chr12-63780036-C-T. GRCh37 (hg19) VCF-style: chr12-64173816-C-T.
Other names: short protein forms H26Y.
Identifiers: ClinVar variation 943116 (VCV000943116.8), dbSNP rs1345651464, ClinGen allele CA385583878.

ClinVar aggregate classification (germline): Uncertain significance (1 of 4 stars; one submission).

Allele frequency attached by ClinVar (database versions not stated): gnomAD 0.00001; gnomAD exomes 0.00001; TOPMed 0.00002.
gnomAD v4.1: 22 of 1,608,648 alleles (0.0014%); highest among the groups gnomAD compares: Non-Finnish European, 0.0016%; no homozygotes.

Submission:

Labcorp Genetics (formerly Invitae), Labcorp
Classification: Uncertain significance. Last evaluated: 2025-10-02. Review status: criteria provided, single submitter. Criteria: Invitae Variant Classification Sherloc (09022015). Collection method: clinical testing. Allele origin: germline.
Comment: This sequence change replaces histidine, which is basic and polar, with tyrosine, which is neutral and polar, at codon 26 of the RXYLT1 protein (p.His26Tyr). The frequency data for this variant in the population databases is considered unreliable, as metrics indicate poor data quality at this position in the gnomAD database. This variant has not been reported in the literature in individuals affected with RXYLT1-related conditions. ClinVar contains an entry for this variant (Variation ID: 943116). Invitae Evidence Modeling of protein sequence and biophysical properties (such as structural, functional, and spatial information, amino acid conservation, physicochemical variation, residue mobility, and thermodynamic stability) indicates that this missense variant is not expected to disrupt RXYLT1 protein function with a negative predictive value of 80%. In summary, the available evidence is currently insufficient to determine the role of this variant in disease. Therefore, it has been classified as a Variant of Uncertain Significance.